The following is an entry in ClinVar:

ClinVar aggregate classification (germline): Uncertain significance (1 of 4 stars; one submission).

Conditions:
Alstrom syndrome (ALMS). Identifiers: Orphanet 64, MedGen C0268425, MONDO:0008763, OMIM 203800.

Allele frequency attached by ClinVar (database versions not stated): gnomAD exomes below 0.00001.
gnomAD v4.1: 2 of 1,613,964 alleles (0.00012%); highest among the groups gnomAD compares: Middle Eastern, 0.016%; no homozygotes.

Submission:

Labcorp Genetics (formerly Invitae), Labcorp
Classification: Uncertain significance for Alstrom syndrome. Last evaluated: 2022-05-25. Review status: criteria provided, single submitter. Criteria: Invitae Variant Classification Sherloc (09022015). Collection method: clinical testing. Allele origin: germline.
Comment: This sequence change replaces alanine, which is neutral and non-polar, with valine, which is neutral and non-polar, at codon 2240 of the ALMS1 protein (p.Ala2240Val). This variant is not present in population databases (gnomAD no frequency). This variant has not been reported in the literature in individuals affected with ALMS1-related conditions. Experimental studies and prediction algorithms are not available or were not evaluated, and the functional significance of this variant is currently unknown. In summary, the available evidence is currently insufficient to determine the role of this variant in disease. Therefore, it has been classified as a Variant of Uncertain Significance.

NM_001378454.1(ALMS1):c.6716C>T (p.Ala2239Val)

Gene: ALMS1 (ALMS1 centrosome and basal body associated protein; plus strand). Cytogenetic location: 2p13.1.
Variant type: single nucleotide variant.
Coding change: c.6716C>T on transcript NM_001378454.1 (MANE Select); coding-DNA position 6716, C replaced by T.
Protein change: p.Ala2239Val; replaces alanine 2239 with valine.
Molecular consequence: missense variant.
Genome position (GRCh38, 1-based): chr2:73,453,243, C>T. VCF-style: chr2-73453243-C-T. GRCh37 (hg19) VCF-style: chr2-73680370-C-T.
Other names: c.6719C>T, p.Ala2240Val (NM_015120.4); short protein forms A2240V, A2239V.
Identifiers: ClinVar variation 2048728 (VCV002048728.1), dbSNP rs2466110038, ClinGen allele CA347289118.
Genomic context (GRCh38, chr2:73,453,243, plus strand): 5'-ATAATGTGCTTTTAAATTCTCAGGCTGATGACAGAGTTGTAATAAATAAACCAGAATCTG[C>T]AGGTTTTAGAGATGTTGGCTCTGAAGAAATCCAGGATGCAGAAAATAGTGCTAAAACTCT-3'
Protein context (NP_001365383.1, residues 2229-2249): DRVVINKPES[Ala2239Val]GFRDVGSEEI